The following is an entry in ClinVar:

NM_004320.6(ATP2A1):c.2588C>G (p.Pro863Arg)

Gene: ATP2A1 (ATPase sarcoplasmic/endoplasmic reticulum Ca2+ transporting 1; plus strand). Cytogenetic location: 16p11.2.
Variant type: single nucleotide variant.
Coding change: c.2588C>G on transcript NM_004320.6 (MANE Select); coding-DNA position 2588, C replaced by G.
Protein change: p.Pro863Arg; replaces proline 863 with arginine.
Molecular consequence: missense variant.
Genome position (GRCh38, 1-based): chr16:28,902,643, C>G. VCF-style: chr16-28902643-C-G. GRCh37 (hg19) VCF-style: chr16-28913964-C-G.
Other names: c.2213C>G, p.Pro738Arg (NM_001286075.2); c.2588C>G, p.Pro863Arg (NM_173201.5); short protein forms P863R, P738R.
Identifiers: ClinVar variation 373188 (VCV000373188.2), dbSNP rs1057518274, ClinGen allele CA16043081.

ClinVar aggregate classification (germline): Uncertain significance. Review status: criteria provided, multiple submitters, no conflicts (2 of 4 stars). 2 submissions from 2 submitters: Uncertain significance (2). Last evaluated 2025-03-11.

Conditions:
Brody myopathy. Also called: BRODY DISEASE. Identifiers: Orphanet 53347, MedGen C1832918, MONDO:0010977, OMIM 601003.

Allele frequency attached by ClinVar (database versions not stated): gnomAD 0.00001.
gnomAD v4.1: 1 of 1,613,958 alleles (0.000062%); highest among the groups gnomAD compares: Non-Finnish European, 0.000085%; no homozygotes.

Submissions (2):

Labcorp Genetics (formerly Invitae), Labcorp
Classification: Uncertain significance for Brody myopathy. Last evaluated: 2025-03-11. Review status: criteria provided, single submitter. Criteria: Invitae Variant Classification Sherloc (09022015). Collection method: clinical testing. Allele origin: germline.
Comment: This sequence change replaces proline, which is neutral and non-polar, with arginine, which is basic and polar, at codon 863 of the ATP2A1 protein (p.Pro863Arg). This variant is not present in population databases (gnomAD no frequency). This variant has not been reported in the literature in individuals affected with ATP2A1-related conditions. ClinVar contains an entry for this variant (Variation ID: 373188). An algorithm developed to predict the effect of missense changes on protein structure and function (PolyPhen-2) suggests that this variant is likely to be disruptive. In summary, the available evidence is currently insufficient to determine the role of this variant in disease. Therefore, it has been classified as a Variant of Uncertain Significance.

GeneDx
Classification: Uncertain significance. Last evaluated: 2016-11-11. Review status: criteria provided, single submitter. Criteria: GeneDx Variant Classification (06012015). Collection method: clinical testing. Allele origin: germline. Affected: yes.
Comment: The P863R variant has not been published as a pathogenic variant, nor has it been reported as a benign variant to our knowledge. It was not observed in approximately 6,500 individuals of European and African American ancestry in the NHLBI Exome Sequencing Project, indicating it is not a common benign variant in these populations. The P863R variant is a non-conservative amino acid substitution, which is likely to impact secondary protein structure as these residues differ in polarity, charge, size and/or other properties. This substitution occurs at a position that is conserved across species, and in silico analysis predicts this variant is probably damaging to the protein structure/function. However, missense variants in nearby residues have not been reported in the Human Gene Mutation Database in association with Brody myopathy (Stenson et al., 2014).